The following is an entry in ClinVar:

ClinVar aggregate classification (germline): Conflicting classifications of pathogenicity. Review status: criteria provided, conflicting classifications (1 of 4 stars). 4 submissions from 4 submitters: Uncertain significance (2); Benign (1); Likely benign (1). Last evaluated 2024-08-01.

Conditions:
Inborn genetic diseases. Identifiers: MedGen C0950123, MeSH D030342.
Collagen 6-related myopathy. Identifiers: MedGen CN117976, MONDO:0100225.
Bethlem myopathy 1A. Also called: Bethlem myopathy 1; MYOPATHY, BENIGN CONGENITAL, WITH CONTRACTURES; Bethlem Muscular Dystrophy. Identifiers: Orphanet 610, MedGen CN029274, MONDO:0024530, OMIM 158810.

Allele frequency attached by ClinVar (database versions not stated): gnomAD 0.00003 and 0.00004; TOPMed 0.00003; ExAC 0.00012.
gnomAD v4.1: 45 of 1,593,446 alleles (0.0028%); highest among the groups gnomAD compares: Non-Finnish European, 0.0017%; no homozygotes.

Submissions (4):

Ambry Genetics
Classification: Uncertain significance for Inborn genetic diseases. Last evaluated: 2024-08-01. Review status: criteria provided, single submitter. Criteria: Ambry Variant Classification Scheme 2023. Collection method: clinical testing. Allele origin: germline.

Labcorp Genetics (formerly Invitae), Labcorp
Classification: Benign for Bethlem myopathy 1A. Last evaluated: 2024-07-17. Review status: criteria provided, single submitter. Criteria: Invitae Variant Classification Sherloc (09022015). Collection method: clinical testing. Allele origin: germline.

Illumina Laboratory Services, Illumina
Classification: Likely benign for Collagen VI-related myopathy. Last evaluated: 2018-01-13. Review status: criteria provided, single submitter. Criteria: ICSL Variant Classification Criteria 13 December 2019. Collection method: clinical testing. Allele origin: germline.
Comment: This variant was observed in the ICSL laboratory as part of a predisposition screen in an ostensibly healthy population. It had not been previously curated by ICSL or reported in the Human Gene Mutation Database (HGMD: prior to June 1st, 2018), and was therefore a candidate for classification through an automated scoring system. Utilizing variant allele frequency, disease prevalence and penetrance estimates, and inheritance mode, an automated score was calculated to assess if this variant is too frequent to cause the disease. Based on the score and internal cut-off values, a variant classified as likely benign is not then subjected to further curation. The score for this variant resulted in a classification of likely benign for this disease.

Eurofins Ntd Llc (ga)
Classification: Uncertain significance. Last evaluated: 2015-09-17. Review status: criteria provided, single submitter. Criteria: EGL Classification Definitions 2015. Collection method: clinical testing. Allele origin: germline. Observed: 1 variant allele, 1 heterozygote.

NM_001848.3(COL6A1):c.2156C>T (p.Pro719Leu)

Gene: COL6A1 (collagen type VI alpha 1 chain; plus strand). Cytogenetic location: 21q22.3.
Variant type: single nucleotide variant.
Coding change: c.2156C>T on transcript NM_001848.3 (MANE Select); coding-DNA position 2156, C replaced by T.
Protein change: p.Pro719Leu; replaces proline 719 with leucine.
Molecular consequence: missense variant.
Genome position (GRCh38, 1-based): chr21:46,002,307, C>T. VCF-style: chr21-46002307-C-T. GRCh37 (hg19) VCF-style: chr21-47422221-C-T.
Other names: short protein forms P719L.
Identifiers: ClinVar variation 283168 (VCV000283168.17), dbSNP rs753759904, ClinGen allele CA10070782.